The following is an entry in ClinVar:

NM_018419.3(SOX18):c.819G>A (p.Ala273=)

Gene: SOX18 (SRY-box transcription factor 18; minus strand). Cytogenetic location: 20q13.33.
Variant type: single nucleotide variant.
Coding change: c.819G>A on transcript NM_018419.3 (MANE Select); coding-DNA position 819, G replaced by A.
Protein change: p.Ala273=; no amino-acid change (alanine 273 retained).
Molecular consequence: synonymous variant.
Genome position (GRCh38, 1-based): chr20:64,048,502, C>T on the plus strand (G>A on the coding strand, the complement: SOX18 is on the minus strand). VCF-style: chr20-64048502-C-T. GRCh37 (hg19) VCF-style: chr20-62679855-C-T.
Identifiers: ClinVar variation 2652565 (VCV002652565.24), dbSNP rs1159547520, ClinGen allele CA511666935.

ClinVar aggregate classification (germline): Likely benign (1 of 4 stars; one submission).

Allele frequency attached by ClinVar (database versions not stated): gnomAD 0.00002; TOPMed 0.00002.
gnomAD v4.1: 6 of 1,227,862 alleles (0.00049%); highest among the groups gnomAD compares: Non-Finnish European, 0.00051%; no homozygotes.

Submission:

CeGaT Center for Human Genetics Tuebingen
Classification: Likely benign. Last evaluated: 2023-02-01. Review status: criteria provided, single submitter. Criteria: CeGaT Center For Human Genetics Tuebingen Variant Classification Criteria Version 2. Collection method: clinical testing. Allele origin: germline. Affected: yes. Observed: 1 variant allele.
Comment: SOX18: BP4, BP7